The following is an entry in ClinVar:

ClinVar aggregate classification (germline): Uncertain significance (1 of 4 stars; one submission).

Submission:

Labcorp Genetics (formerly Invitae), Labcorp
Classification: Uncertain significance. Last evaluated: 2024-09-25. Review status: criteria provided, single submitter. Criteria: Invitae Variant Classification Sherloc (09022015). Collection method: clinical testing. Allele origin: germline.
Comment: This sequence change replaces threonine, which is neutral and polar, with isoleucine, which is neutral and non-polar, at codon 44 of the MYO15A protein (p.Thr44Ile). This variant is not present in population databases (gnomAD no frequency). This variant has not been reported in the literature in individuals affected with MYO15A-related conditions. Invitae Evidence Modeling of protein sequence and biophysical properties (such as structural, functional, and spatial information, amino acid conservation, physicochemical variation, residue mobility, and thermodynamic stability) indicates that this missense variant is not expected to disrupt MYO15A protein function with a negative predictive value of 95%. In summary, the available evidence is currently insufficient to determine the role of this variant in disease. Therefore, it has been classified as a Variant of Uncertain Significance.

NM_016239.4(MYO15A):c.131C>T (p.Thr44Ile)

Gene: MYO15A (myosin XVA; plus strand). Cytogenetic location: 17p11.2.
Variant type: single nucleotide variant.
Coding change: c.131C>T on transcript NM_016239.4 (MANE Select); coding-DNA position 131, C replaced by T.
Protein change: p.Thr44Ile; replaces threonine 44 with isoleucine.
Molecular consequence: missense variant.
Genome position (GRCh38, 1-based): chr17:18,118,931, C>T. VCF-style: chr17-18118931-C-T. GRCh37 (hg19) VCF-style: chr17-18022245-C-T.
Other names: short protein forms T44I.
Identifiers: ClinVar variation 3634466 (VCV003634466.2).